The following is an entry in ClinVar:

NM_001365276.2(TNXB):c.8183C>T (p.Thr2728Ile)

Gene: TNXB (tenascin XB; minus strand). Cytogenetic location: 6p21.33.
Variant type: single nucleotide variant.
Coding change: c.8183C>T on transcript NM_001365276.2 (MANE Select); coding-DNA position 8183, C replaced by T.
Protein change: p.Thr2728Ile; replaces threonine 2728 with isoleucine.
Molecular consequence: missense variant.
Genome position (GRCh38, 1-based): chr6:32,056,135, G>A on the plus strand (C>T on the coding strand, the complement: TNXB is on the minus strand). VCF-style: chr6-32056135-G-A. GRCh37 (hg19) VCF-style: chr6-32023912-G-A.
Other names: c.8183C>T, p.Thr2728Ile (NM_019105.8); short protein forms T2728I.
Identifiers: ClinVar variation 1762323 (VCV001762323.2), dbSNP rs1380285446, ClinGen allele CA363549552.

ClinVar aggregate classification (germline): Uncertain significance (1 of 4 stars; one submission).

Conditions:
Cardiovascular phenotype. Identifiers: MedGen CN230736.

Allele frequency attached by ClinVar (database versions not stated): gnomAD 0.00001; gnomAD exomes 0.00001; TOPMed 0.00002.
gnomAD v4.1: 8 of 1,612,494 alleles (0.0005%); highest among the groups gnomAD compares: African/African-American, 0.0093%; no homozygotes.

Submission:

Ambry Genetics
Classification: Uncertain significance for Cardiovascular phenotype. Last evaluated: 2021-11-05. Review status: criteria provided, single submitter. Criteria: Ambry Variant Classification Scheme 2023. Collection method: clinical testing. Allele origin: germline.
Comment: The p.T2728I variant (also known as c.8183C>T), located in coding exon 23 of the TNXB gene, results from a C to T substitution at nucleotide position 8183. The threonine at codon 2728 is replaced by isoleucine, an amino acid with similar properties. This amino acid position is conserved. In addition, this alteration is predicted to be tolerated by in silico analysis. Since supporting evidence is limited at this time, the clinical significance of this alteration remains unclear.